The following is an entry in ClinVar:

ClinVar aggregate classification (germline): Likely benign (1 of 4 stars; one submission).

Allele frequency attached by ClinVar (database versions not stated): gnomAD exomes 0.00001; ExAC 0.00005; ESP Exome Variant Server 0.00008; TOPMed 0.00008; gnomAD 0.00010; 1000 Genomes Project 30x 0.00016; 1000 Genomes Project 0.00020.
gnomAD v4.1: 29 of 1,613,346 alleles (0.0018%); highest among the groups gnomAD compares: African/African-American, 0.025%; no homozygotes.

Submission:

CeGaT Center for Human Genetics Tuebingen
Classification: Likely benign. Last evaluated: 2022-09-01. Review status: criteria provided, single submitter. Criteria: CeGaT Center For Human Genetics Tuebingen Variant Classification Criteria Version 2. Collection method: clinical testing. Allele origin: germline. Affected: yes. Observed: 1 variant allele.
Comment: PTPRG: BP4, BP7

NM_002841.4(PTPRG):c.1542G>A (p.Thr514=)

Gene: PTPRG (protein tyrosine phosphatase receptor type G; plus strand). Cytogenetic location: 3p14.2.
Variant type: single nucleotide variant.
Coding change: c.1542G>A on transcript NM_002841.4 (MANE Select); coding-DNA position 1542, G replaced by A.
Protein change: p.Thr514=; no amino-acid change (threonine 514 retained).
Molecular consequence: synonymous variant.
Genome position (GRCh38, 1-based): chr3:62,203,337, G>A. VCF-style: chr3-62203337-G-A. GRCh37 (hg19) VCF-style: chr3-62189011-G-A.
Other names: c.1542G>A, p.Thr514= (NM_001375471.1).
Identifiers: ClinVar variation 2653924 (VCV002653924.24), dbSNP rs376410542, ClinGen allele CA2474748.